The following is an entry in ClinVar:

ClinVar aggregate classification (germline): Uncertain significance. Review status: criteria provided, multiple submitters, no conflicts (2 of 4 stars). 2 submissions from 2 submitters: Uncertain significance (2). Last evaluated 2025-09-26.

Conditions:
Inborn genetic diseases. Identifiers: MedGen C0950123, MeSH D030342.

Allele frequency attached by ClinVar (database versions not stated): gnomAD exomes below 0.00001; ExAC 0.00004; gnomAD 0.00004; TOPMed 0.00007.
gnomAD v4.1: 10 of 1,568,876 alleles (0.00064%); highest among the groups gnomAD compares: African/African-American, 0.012%; no homozygotes.

Submissions (2):

Ambry Genetics
Classification: Uncertain significance for Inborn genetic diseases. Last evaluated: 2025-09-26. Review status: criteria provided, single submitter. Criteria: Ambry Variant Classification Scheme 2023. Collection method: clinical testing. Allele origin: germline.

Labcorp Genetics (formerly Invitae), Labcorp
Classification: Uncertain significance. Last evaluated: 2023-07-20. Review status: criteria provided, single submitter. Criteria: Invitae Variant Classification Sherloc (09022015). Collection method: clinical testing. Allele origin: germline.
Comment: In summary, the available evidence is currently insufficient to determine the role of this variant in disease. Therefore, it has been classified as a Variant of Uncertain Significance. An algorithm developed to predict the effect of missense changes on protein structure and function (PolyPhen-2) suggests that this variant is likely to be tolerated. ClinVar contains an entry for this variant (Variation ID: 1899226). This variant has not been reported in the literature in individuals affected with AP3D1-related conditions. The frequency data for this variant in the population databases is considered unreliable, as metrics indicate poor data quality at this position in the gnomAD database. This sequence change replaces lysine, which is basic and polar, with glutamic acid, which is acidic and polar, at codon 858 of the AP3D1 protein (p.Lys858Glu).

NM_001261826.3(AP3D1):c.2572A>G (p.Lys858Glu)

Gene: AP3D1 (adaptor related protein complex 3 subunit delta 1; minus strand). Cytogenetic location: 19p13.3.
Variant type: single nucleotide variant.
Coding change: c.2572A>G on transcript NM_001261826.3 (MANE Select); coding-DNA position 2572, A replaced by G.
Protein change: p.Lys858Glu; replaces lysine 858 with glutamic acid.
Molecular consequence: missense variant.
Genome position (GRCh38, 1-based): chr19:2,114,154, T>C on the plus strand (A>G on the coding strand, the complement: AP3D1 is on the minus strand). VCF-style: chr19-2114154-T-C. GRCh37 (hg19) VCF-style: chr19-2114153-T-C.
Other names: c.2572A>G (NM_003938.5); c.2572A>G, p.Lys858Glu (NM_001374799.1, NM_003938.8); short protein forms K858E.
Identifiers: ClinVar variation 1899226 (VCV001899226.6), dbSNP rs772783843, ClinGen allele CA9058813.
Genomic context (GRCh38, chr19:2,114,154, plus strand): 5'-AGAAGGCCGCCGCCCTGGGCACTAGCCTTACCTTCTTCTCCTTCTCCTTCTTCTTCTCCT[T>C]GTCTCTCTCTTTCTCTTTGTGTTTTTTCTCTTTCTTCTTGGGTTTCTTGCTCTTCTTTTC-3'
Protein context (NP_001248755.1, residues 848-868): EKKHKEKERD[Lys858Glu]EKKKEKEKKA